The following is an entry in ClinVar:

ClinVar aggregate classification (germline): Benign/Likely benign. Review status: criteria provided, multiple submitters, no conflicts (2 of 4 stars). 3 submissions from 3 submitters: Benign (1); Likely benign (1). 1 of the submissions does not count toward it. Last evaluated 2026-01-26.

Conditions:
COL17A1-related disorder. Also called: COL17A1-related condition.

Allele frequency attached by ClinVar (database versions not stated): ExAC 0.00018; 1000 Genomes Project 30x 0.00047; 1000 Genomes Project 0.00060; gnomAD 0.00090 and 0.00097; ESP Exome Variant Server 0.00100; TOPMed 0.00104.
gnomAD v4.1: 241 of 1,614,088 alleles (0.015%); highest among the groups gnomAD compares: African/African-American, 0.31%; no homozygotes.

Submissions (3):

Labcorp Genetics (formerly Invitae), Labcorp
Classification: Benign. Last evaluated: 2026-01-26. Review status: criteria provided, single submitter. Criteria: Invitae Variant Classification Sherloc (09022015). Collection method: clinical testing. Allele origin: germline.

CeGaT Center for Human Genetics Tuebingen
Classification: Likely benign. Last evaluated: 2021-03-01. Review status: criteria provided, single submitter. Criteria: CeGaT Center For Human Genetics Tuebingen Variant Classification Criteria Version 2. Collection method: clinical testing. Allele origin: germline. Affected: yes. Observed: 1 variant allele.

PreventionGenetics, part of Exact Sciences
Classification: Likely benign for COL17A1-related condition. Last evaluated: 2023-10-29. Review status: no assertion criteria provided. Collection method: clinical testing. Allele origin: germline. Not counted in ClinVar's aggregate classification.
Comment: This variant is classified as likely benign based on ACMG/AMP sequence variant interpretation guidelines (Richards et al. 2015 PMID: 25741868, with internal and published modifications).

NM_000494.4(COL17A1):c.696G>T (p.Gly232=)

Gene: COL17A1 (collagen type XVII alpha 1 chain; minus strand). Cytogenetic location: 10q25.1.
Variant type: single nucleotide variant.
Coding change: c.696G>T on transcript NM_000494.4 (MANE Select); coding-DNA position 696, G replaced by T.
Protein change: p.Gly232=; no amino-acid change (glycine 232 retained).
Molecular consequence: synonymous variant.
Genome position (GRCh38, 1-based): chr10:104,064,508, C>A on the plus strand (G>T on the coding strand, the complement: COL17A1 is on the minus strand). VCF-style: chr10-104064508-C-A. GRCh37 (hg19) VCF-style: chr10-105824266-C-A.
Other names: c.696G>T (NM_000494.3).
Identifiers: ClinVar variation 1176267 (VCV001176267.39), dbSNP rs139924779, ClinGen allele CA5679328.